The following is an entry in ClinVar:

ClinVar aggregate classification (germline): Conflicting classifications of pathogenicity. Review status: criteria provided, conflicting classifications (1 of 4 stars). 4 submissions from 4 submitters: Uncertain significance (3); Likely benign (1). Last evaluated 2026-03-10.

Conditions:
Inborn genetic diseases. Identifiers: MedGen C0950123, MeSH D030342.
VPS13B-related disorder. Also called: VPS13B-related condition.
Cohen syndrome (COH1). Also called: Cutis verticis gyrata, retinitis pigmentosa, and sensorineural deafness; PEPPER SYNDROME. Identifiers: Orphanet 193, MedGen C0265223, MONDO:0008999, OMIM 216550.

Allele frequency attached by ClinVar (database versions not stated): gnomAD exomes 0.00002; ExAC 0.00006; ESP Exome Variant Server 0.00015; 1000 Genomes Project 0.00020; gnomAD 0.00023; TOPMed 0.00024; 1000 Genomes Project 30x 0.00031.
gnomAD v4.1: 65 of 1,614,192 alleles (0.004%); highest among the groups gnomAD compares: African/African-American, 0.075%; no homozygotes.

Submissions (4):

PreventionGenetics, part of Exact Sciences
Classification: Uncertain significance for VPS13B-related condition. Last evaluated: 2026-03-10. Review status: criteria provided, single submitter. Criteria: ACMG Guidelines, 2015. Collection method: clinical testing. Allele origin: germline.
Comment: The VPS13B c.1082A>G variant is predicted to result in the amino acid substitution p.Asp361Gly. To our knowledge, this variant has not been reported in the literature. This variant is reported in 0.092% of alleles in individuals of African descent in gnomAD, which may be too common to be an unreported cause of disease. Although we suspect that this variant may be benign, at this time, the clinical significance of this variant is uncertain due to the absence of conclusive functional and genetic evidence.

Labcorp Genetics (formerly Invitae), Labcorp
Classification: Likely benign for Cohen syndrome. Last evaluated: 2026-01-14. Review status: criteria provided, single submitter. Criteria: Invitae Variant Classification Sherloc (09022015). Collection method: clinical testing. Allele origin: germline.

Blueprint Genetics
Classification: Uncertain significance. Last evaluated: 2022-11-09. Review status: criteria provided, single submitter. Criteria: ACMG Guidelines, 2015. Collection method: clinical testing. Allele origin: germline.

Ambry Genetics
Classification: Uncertain significance for Inborn genetic diseases. Last evaluated: 2022-10-06. Review status: criteria provided, single submitter. Criteria: Ambry Variant Classification Scheme 2023. Collection method: clinical testing. Allele origin: germline.

NM_152564.5(VPS13B):c.1082A>G (p.Asp361Gly)

Gene: VPS13B (vacuolar protein sorting 13 homolog B; plus strand). Cytogenetic location: 8q22.2.
Variant type: single nucleotide variant.
Coding change: c.1082A>G on transcript NM_152564.5 (MANE Select); coding-DNA position 1082, A replaced by G.
Protein change: p.Asp361Gly; replaces aspartic acid 361 with glycine.
Molecular consequence: missense variant. On other transcripts: non-coding transcript variant (1).
Genome position (GRCh38, 1-based): chr8:99,121,321, A>G. VCF-style: chr8-99121321-A-G. GRCh37 (hg19) VCF-style: chr8-100133549-A-G.
Other names: c.1082A>G, p.Asp361Gly (NM_015243.3, NM_017890.5, NM_181661.3); short protein forms D361G.
Identifiers: ClinVar variation 1786725 (VCV001786725.12), dbSNP rs143295587, ClinGen allele CA4822541.